The following is an entry in ClinVar:

NM_015386.3(COG4):c.496T>G (p.Leu166Val)

Gene: COG4 (component of oligomeric golgi complex 4; minus strand). Cytogenetic location: 16q22.1.
Variant type: single nucleotide variant.
Coding change: c.496T>G on transcript NM_015386.3 (MANE Select); coding-DNA position 496, T replaced by G.
Protein change: p.Leu166Val; replaces leucine 166 with valine.
Molecular consequence: missense variant. On other transcripts: non-coding transcript variant (1).
Genome position (GRCh38, 1-based): chr16:70,514,383, A>C on the plus strand (T>G on the coding strand, the complement: COG4 is on the minus strand). VCF-style: chr16-70514383-A-C. GRCh37 (hg19) VCF-style: chr16-70548286-A-C.
Other names: c.484T>G, p.Leu162Val (NM_001195139.2); c.70T>G, p.Leu24Val (NM_001365426.1); short protein forms L162V, L166V, L24V.
Identifiers: ClinVar variation 1435251 (VCV001435251.8), dbSNP rs1413305790, ClinGen allele CA396577783.

ClinVar aggregate classification (germline): Uncertain significance (1 of 4 stars; one submission).

Conditions:
COG4-congenital disorder of glycosylation. Also called: CONGENITAL DISORDER OF GLYCOSYLATION, TYPE IIj; CDG IIj; COG4-CDG. Identifiers: Orphanet 263501, MedGen C4303552, MONDO:0013281, OMIM 613489.

Allele frequency attached by ClinVar (database versions not stated): TOPMed below 0.00001; gnomAD 0.00001.
gnomAD v4.1: 1 of 1,614,030 alleles (0.000062%); highest among the groups gnomAD compares: Admixed American, 0.0017%; no homozygotes.

Submission:

Labcorp Genetics (formerly Invitae), Labcorp
Classification: Uncertain significance for COG4-congenital disorder of glycosylation. Last evaluated: 2025-04-28. Review status: criteria provided, single submitter. Criteria: Invitae Variant Classification Sherloc (09022015). Collection method: clinical testing. Allele origin: germline.
Comment: This sequence change replaces leucine, which is neutral and non-polar, with valine, which is neutral and non-polar, at codon 166 of the COG4 protein (p.Leu166Val). This variant is present in population databases (no rsID available, gnomAD 0.1%). This variant has not been reported in the literature in individuals affected with COG4-related conditions. ClinVar contains an entry for this variant (Variation ID: 1435251). Invitae Evidence Modeling of protein sequence and biophysical properties (such as structural, functional, and spatial information, amino acid conservation, physicochemical variation, residue mobility, and thermodynamic stability) indicates that this missense variant is expected to disrupt COG4 protein function with a positive predictive value of 80%. In summary, the available evidence is currently insufficient to determine the role of this variant in disease. Therefore, it has been classified as a Variant of Uncertain Significance.